The following is an entry in ClinVar:

ClinVar aggregate classification (germline): Likely pathogenic (1 of 4 stars; one submission).

Submission:

CeGaT Center for Human Genetics Tuebingen
Classification: Likely pathogenic. Last evaluated: 2025-04-01. Review status: criteria provided, single submitter. Criteria: CeGaT Center For Human Genetics Tuebingen Variant Classification Criteria Version 2. Collection method: clinical testing. Allele origin: germline. Affected: yes. Observed: 2 variant alleles.
Comment: RNU4ATAC: PM1, PM2, PM3

NR_023343.3(RNU4ATAC):n.38A>T

Genes: CLASP1 (cytoplasmic linker associated protein 1; minus strand), CLASP1-AS1 (CLASP1 antisense RNA 1; plus strand), RNU4ATAC (RNA, U4atac small nuclear; plus strand). Cytogenetic location: 2q14.2.
Variant type: single nucleotide variant.
Molecular consequence: non-coding transcript variant (on NR_023343.3). On other transcripts: intron variant (8).
Genome position: GRCh38 VCF-style: chr2-121530917-A-T. GRCh37 (hg19) VCF-style: chr2-122288493-A-T.
Other names: c.196-592T>A (NM_001142274.2, NM_015282.3, NM_001378003.1 and 5 more transcripts).
Identifiers: ClinVar variation 3771898 (VCV003771898.13).